The following is an entry in ClinVar:

NM_020297.4(ABCC9):c.944C>G (p.Pro315Arg)

Gene: ABCC9 (ATP binding cassette subfamily C member 9; minus strand). Cytogenetic location: 12p12.1.
Variant type: single nucleotide variant.
Coding change: c.944C>G on transcript NM_020297.4 (MANE Select); coding-DNA position 944, C replaced by G.
Protein change: p.Pro315Arg; replaces proline 315 with arginine.
Molecular consequence: missense variant.
Genome position (GRCh38, 1-based): chr12:21,912,939, G>C on the plus strand (C>G on the coding strand, the complement: ABCC9 is on the minus strand). VCF-style: chr12-21912939-G-C. GRCh37 (hg19) VCF-style: chr12-22065873-G-C.
Other names: c.944C>G, p.Pro315Arg (NM_001377273.1, NM_005691.4); c.80C>G, p.Pro27Arg (NM_001377274.1); short protein forms P27R, P315R.
Identifiers: ClinVar variation 4538060 (VCV004538060.1).

ClinVar aggregate classification (germline): Uncertain significance (1 of 4 stars; one submission).

Submission:

GeneDx
Classification: Uncertain significance. Last evaluated: 2025-06-05. Review status: criteria provided, single submitter. Criteria: GeneDx Variant Classification Process June 2021. Collection method: clinical testing. Allele origin: germline. Affected: yes.
Comment: Not observed at significant frequency in large population cohorts (gnomAD); In silico analysis supports that this missense variant has a deleterious effect on protein structure/function; Has not been previously published as pathogenic or benign to our knowledge